The following is an entry in ClinVar:

ClinVar aggregate classification (germline): Uncertain significance (1 of 4 stars; one submission).

Allele frequency attached by ClinVar (database versions not stated): gnomAD exomes below 0.00001; ExAC 0.00001.
gnomAD v4.1: 1 of 1,573,040 alleles (0.000064%); highest among the groups gnomAD compares: South Asian, 0.0011%; no homozygotes.

Submission:

Labcorp Genetics (formerly Invitae), Labcorp
Classification: Uncertain significance. Last evaluated: 2021-02-24. Review status: criteria provided, single submitter. Criteria: Invitae Variant Classification Sherloc (09022015). Collection method: clinical testing. Allele origin: germline.
Comment: In summary, the available evidence is currently insufficient to determine the role of this variant in disease. Therefore, it has been classified as a Variant of Uncertain Significance. Experimental studies and prediction algorithms are not available or were not evaluated, and the functional significance of this variant is currently unknown. This variant has not been reported in the literature in individuals with IL12RB2-related conditions. This variant is present in population databases (rs779087488, ExAC 0.006%). This sequence change disrupts the translational stop signal of the IL12RB2 mRNA. It is expected to extend the length of the IL12RB2 protein by 41 additional amino acid residues.

NM_001374259.2(IL12RB2):c.2589A>G (p.Ter863Trp)

Gene: IL12RB2 (interleukin 12 receptor subunit beta 2; plus strand). Cytogenetic location: 1p31.3.
Variant type: single nucleotide variant.
Coding change: c.2589A>G on transcript NM_001374259.2 (MANE Select); coding-DNA position 2589, A replaced by G.
Protein change: p.Ter863Trp.
Molecular consequence: stop lost. On other transcripts: 3 prime UTR variant (3), non-coding transcript variant (2).
Genome position (GRCh38, 1-based): chr1:67,396,089, A>G. VCF-style: chr1-67396089-A-G. GRCh37 (hg19) VCF-style: chr1-67861772-A-G.
Other names: c.*509A>G (NM_001258214.1, NM_001319233.1); c.2331A>G, p.Ter777Trp (NM_001258215.1); c.*490A>G (NM_001258216.1); c.2589A>G, p.Ter863Trp (NM_001559.3).
Identifiers: ClinVar variation 1513177 (VCV001513177.6), dbSNP rs779087488, ClinGen allele CA900743.
Genomic context (GRCh38, chr1:67,396,089, plus strand): 5'-CTGTGGTGATAAGCTGACTCTGGATCAGTTAAAGATGAGGTGTGACTCCCTCATGCTCTG[A>G]GTGGTGAGGCTTCAAGCCTTAAAGTCAGTGTGCCCTCAACCAGCACAGCCTGCCCCAATT-3'